The following is an entry in ClinVar:

ClinVar aggregate classification (germline): Uncertain significance. Review status: criteria provided, multiple submitters, no conflicts (2 of 4 stars). 3 submissions from 3 submitters: Uncertain significance (3). Last evaluated 2025-01-10.

Conditions:
Inborn genetic diseases. Identifiers: MedGen C0950123, MeSH D030342.
Exostoses, multiple, type 2 (EXT2). Also called: Hereditary Multiple Osteochondromatosis, Type II; EXOSTOSES, MULTIPLE, TYPE II. Identifiers: Orphanet 321, MedGen C1851413, MONDO:0007586, OMIM 133701.

Allele frequency attached by ClinVar (database versions not stated): gnomAD 0.00002 and 0.00005; gnomAD exomes 0.00002 and 0.00003; TOPMed 0.00002; ExAC 0.00005; 1000 Genomes Project 30x 0.00031; 1000 Genomes Project 0.00040.
gnomAD v4.1: 32 of 1,614,176 alleles (0.002%); highest among the groups gnomAD compares: East Asian, 0.018%; no homozygotes.

Submissions (3):

Ambry Genetics
Classification: Uncertain significance for Inborn genetic diseases. Last evaluated: 2025-01-10. Review status: criteria provided, single submitter. Criteria: Ambry Variant Classification Scheme 2023. Collection method: clinical testing. Allele origin: germline.

Labcorp Genetics (formerly Invitae), Labcorp
Classification: Uncertain significance for Exostoses, multiple, type 2. Last evaluated: 2024-03-26. Review status: criteria provided, single submitter. Criteria: Invitae Variant Classification Sherloc (09022015). Collection method: clinical testing. Allele origin: germline.
Comment: This sequence change replaces glutamic acid, which is acidic and polar, with lysine, which is basic and polar, at codon 278 of the EXT2 protein (p.Glu278Lys). This variant is present in population databases (rs117329700, gnomAD 0.02%). This variant has not been reported in the literature in individuals affected with EXT2-related conditions. This missense change has been observed to co-occur in individuals with a different variant in EXT2 that has been determined to be pathogenic (Invitae), but the significance of this finding is unclear. ClinVar contains an entry for this variant (Variation ID: 845913). Advanced modeling of protein sequence and biophysical properties (such as structural, functional, and spatial information, amino acid conservation, physicochemical variation, residue mobility, and thermodynamic stability) performed at Invitae indicates that this missense variant is not expected to disrupt EXT2 protein function with a negative predictive value of 80%. In summary, the available evidence is currently insufficient to determine the role of this variant in disease. Therefore, it has been classified as a Variant of Uncertain Significance.

Blueprint Genetics
Classification: Uncertain significance. Last evaluated: 2023-10-25. Review status: criteria provided, single submitter. Criteria: ACMG Guidelines, 2015. Collection method: clinical testing. Allele origin: germline.

NM_207122.2(EXT2):c.832G>A (p.Glu278Lys)

Gene: EXT2 (exostosin glycosyltransferase 2; plus strand). Cytogenetic location: 11p11.2.
Variant type: single nucleotide variant.
Coding change: c.832G>A on transcript NM_207122.2 (MANE Select); coding-DNA position 832, G replaced by A.
Protein change: p.Glu278Lys; replaces glutamic acid 278 with lysine.
Molecular consequence: missense variant.
Genome position (GRCh38, 1-based): chr11:44,124,877, G>A. VCF-style: chr11-44124877-G-A. GRCh37 (hg19) VCF-style: chr11-44146427-G-A.
Other names: c.931G>A, p.Glu311Lys (NM_000401.3); c.832G>A, p.Glu278Lys (NM_001178083.3, NM_001389628.1, NM_001389630.1); short protein forms E278K, E311K.
Identifiers: ClinVar variation 845913 (VCV000845913.10), dbSNP rs117329700, ClinGen allele CA5955014.
Genomic context (GRCh38, chr11:44,124,877, plus strand): 5'-CAGGTGGGTCTCCATCCTGAGTACAGAGAGGACCTAGAAGCCCTCCAGGTCAAACATGGA[G>A]AGTCAGTGTTAGTACTCGATAAATGCACCAACCTCTCAGAGGGTGTCCTTTCTGTCCGTA-3'
Protein context (NP_997005.1, residues 268-288): DLEALQVKHG[Glu278Lys]SVLVLDKCTN